The following is an entry in ClinVar:

NM_001110556.2(FLNA):c.7720C>A (p.Gln2574Lys)

Genes: FLNA (filamin A; minus strand), LOC107988032 (Xq28 proximal FLNA-EMD recombination region; plus strand). Cytogenetic location: Xq28.
Variant type: single nucleotide variant.
Coding change: c.7720C>A on transcript NM_001110556.2 (MANE Select); coding-DNA position 7720, C replaced by A.
Protein change: p.Gln2574Lys; replaces glutamine 2574 with lysine.
Molecular consequence: missense variant.
Genome position (GRCh38, 1-based): chrX:154,349,398, G>T on the plus strand (C>A on the coding strand, the complement: FLNA is on the minus strand). VCF-style: chrX-154349398-G-T. GRCh37 (hg19) VCF-style: chrX-153577766-G-T.
Other names: c.7696C>A, p.Gln2566Lys (NM_001456.4); short protein forms Q2566K, Q2574K.
Identifiers: ClinVar variation 2637355 (VCV002637355.2), dbSNP rs2522712617, ClinGen allele CA415179580.
Genomic context (GRCh38, chrX:154,349,398, plus strand): 5'-GGGCCGGGGGCCCAGGTTGCCCACCTGCTTTGCTGCAGTCTACTGTGAAGCTGCTCTTCT[G>T]GCCTACGTAGGCCTTGCTCAGCCCCAGGCCCTTGGCCACCACCTTGCTGGCGTCAGCAGG-3'
Protein context (NP_001104026.1, residues 2564-2584): GLGLSKAYVG[Gln2574Lys]KSSFTVDCSK

ClinVar aggregate classification (germline): Uncertain significance (0 of 4 stars; one submission).

Conditions:
FLNA-related disorder.

Submission:

PreventionGenetics, part of Exact Sciences
Classification: Uncertain significance for FLNA-related condition. Last evaluated: 2024-04-20. Review status: no assertion criteria provided. Collection method: clinical testing. Allele origin: germline.
Comment: The FLNA c.7720C>A variant is predicted to result in the amino acid substitution p.Gln2574Lys. To our knowledge, this variant has not been reported in the literature or in a large population database, indicating this variant is rare. At this time, the clinical significance of this variant is uncertain due to the absence of conclusive functional and genetic evidence.